The following is an entry in ClinVar:

NM_022788.5(P2RY12):c.488C>T (p.Thr163Ile)

Genes: MED12L (mediator complex subunit 12L; plus strand), P2RY12 (purinergic receptor P2Y12; minus strand). Cytogenetic location: 3q25.1.
Variant type: single nucleotide variant.
Coding change: c.488C>T on transcript NM_022788.5 (MANE Select); coding-DNA position 488, C replaced by T.
Protein change: p.Thr163Ile; replaces threonine 163 with isoleucine.
Molecular consequence: missense variant. On other transcripts: intron variant (2).
Genome position (GRCh38, 1-based): chr3:151,338,358, G>A on the plus strand (C>T on the coding strand, the complement: P2RY12 is on the minus strand). VCF-style: chr3-151338358-G-A. GRCh37 (hg19) VCF-style: chr3-151056146-G-A.
Other names: c.488C>T, p.Thr163Ile (NM_176876.3); c.2251-11701G>A (NM_001393769.1); c.2146-11701G>A (NM_053002.6); short protein forms T163I.
Identifiers: ClinVar variation 3616220 (VCV003616220.2).

ClinVar aggregate classification (germline): Uncertain significance (1 of 4 stars; one submission).

gnomAD v4.1: 40 of 1,614,086 alleles (0.0025%); highest among the groups gnomAD compares: South Asian, 0.029%; no homozygotes.

Submission:

Labcorp Genetics (formerly Invitae), Labcorp
Classification: Uncertain significance. Last evaluated: 2025-11-16. Review status: criteria provided, single submitter. Criteria: Invitae Variant Classification Sherloc (09022015). Collection method: clinical testing. Allele origin: germline.
Comment: This sequence change replaces threonine, which is neutral and polar, with isoleucine, which is neutral and non-polar, at codon 163 of the P2RY12 protein (p.Thr163Ile). This variant is present in population databases (rs566389626, gnomAD 0.03%). This variant has not been reported in the literature in individuals affected with P2RY12-related conditions. ClinVar contains an entry for this variant (Variation ID: 3616220). An algorithm developed to predict the effect of missense changes on protein structure and function (PolyPhen-2) suggests that this variant is likely to be disruptive. In summary, the available evidence is currently insufficient to determine the role of this variant in disease. Therefore, it has been classified as a Variant of Uncertain Significance.